The following is an entry in ClinVar:

ClinVar aggregate classification (germline): Benign. Review status: reviewed by expert panel (3 of 4 stars). 19 submissions from 19 submitters: Benign (1). 18 of the submissions do not count toward it. Last evaluated 2023-02-26.

Conditions:
Classic or attenuated familial adenomatous polyposis. Identifiers: MedGen CN372698, MONDO:0021057.
APC-Associated Polyposis Disorders.
Colorectal adenoma. Identifiers: MedGen C1302401, MONDO:0005484.
Hereditary cancer-predisposing syndrome. Also called: Neoplastic Syndromes, Hereditary; Tumor predisposition; Hereditary neoplastic syndrome; Hereditary Cancer Syndrome. Identifiers: Orphanet 140162, MedGen C0027672, MeSH D009386, MONDO:0015356.
Familial adenomatous polyposis 1 (FAP1). Also called: POLYPOSIS, ADENOMATOUS INTESTINAL; FAMILIAL ADENOMATOUS POLYPOSIS 1, ATTENUATED. Identifiers: MedGen C2713442, MONDO:0021056, OMIM 175100. Disease mechanism: loss of function.
Carcinoma of colon (CRC). Also called: Colonic carcinoma; Colon carcinoma. Identifiers: MedGen C0699790, MONDO:0002032.

Allele frequency attached by ClinVar (database versions not stated): gnomAD exomes 0.00030 and 0.00077; ExAC 0.00091; 1000 Genomes Project 0.00260; 1000 Genomes Project 30x 0.00265; gnomAD 0.00299 and 0.00324; ESP Exome Variant Server 0.00338; TOPMed 0.00359.
gnomAD v4.1: 905 of 1,614,130 alleles (0.056%); highest among the groups gnomAD compares: African/African-American, 1.1%; 8 homozygotes.

Submissions (19):

ClinGen InSiGHT Hereditary Colorectal Cancer/Polyposis Variant Curation Expert Panel
Classification: Benign for Familial adenomatous polyposis 1. Last evaluated: 2023-02-26. Review status: reviewed by expert panel. Criteria: ClinGen InSiGHT HCCP VCEP ACMG Specifications APC V1. Collection method: curation. Allele origin: germline. Inheritance: Autosomal dominant inheritance.
Comment: The c.4420G>A variant in APC is a missense variant predicted to cause the substitution of Alanine by Threonine at amino acid position 1474 (p.Ala1474Thr). The highest population minor allele frequency of this variant in gnomAD v2.1.1 (non-cancer) is 1.13% in the African/African American population, which is higher than the ClinGen InSiGHT Hereditary Colorectal Cancer/Polyposis Expert Panel’s (HCCP VCEP) threshold (0.1%) for BA1, and therefore meets this criterion (BA1). Functional study of beta-catenin-regulated transcription assays indicate that this alteration suppresses CRT as effectively as wild type (BS3_Supporting; PMID: 18199528). Finally, APC is defined by the HCCP VCEP as a gene for which primarily truncating variants are known to cause disease (BP1). In summary, this variant meets the criteria to be classified as Benign for FAP based on the ACMG/AMP criteria applied, as specified by the HCCP VCEP: BA1, BP1, BS3_Supporting (VCEP specifications version 1; date of approval: 12/12/2022).

CeGaT Center for Human Genetics Tuebingen
Classification: Likely benign. Last evaluated: 2026-08-01. Review status: criteria provided, single submitter. Criteria: CeGaT Center For Human Genetics Tuebingen Variant Classification Criteria Version 2. Collection method: clinical testing. Allele origin: germline. Affected: yes. Observed: 2 variant alleles. Not counted in ClinVar's aggregate classification.
Comment: APC: BS1

Labcorp Genetics (formerly Invitae), Labcorp
Classification: Benign for Familial adenomatous polyposis 1. Last evaluated: 2026-02-04. Review status: criteria provided, single submitter. Criteria: Invitae Variant Classification Sherloc (09022015). Collection method: clinical testing. Allele origin: germline. Not counted in ClinVar's aggregate classification.

Blueprint Genetics
Classification: Likely benign. Last evaluated: 2024-11-25. Review status: criteria provided, single submitter. Criteria: ACMG Guidelines, 2015. Collection method: clinical testing. Allele origin: germline. Not counted in ClinVar's aggregate classification.

Color Diagnostics, LLC DBA Color Health
Classification: Benign for Hereditary cancer-predisposing syndrome. Last evaluated: 2024-09-19. Review status: criteria provided, single submitter. Criteria: ACMG Guidelines, 2015. Collection method: clinical testing. Allele origin: germline. Not counted in ClinVar's aggregate classification.

Myriad Genetics, Inc.
Classification: Benign for Familial adenomatous polyposis 1. Last evaluated: 2024-04-10. Review status: criteria provided, single submitter. Criteria: Myriad Autosomal Dominant, Autosomal Recessive and X-Linked Classification Criteria (2023). Collection method: clinical testing. Allele origin: unknown. Not counted in ClinVar's aggregate classification.
Comment: This variant is considered benign. This variant has been observed at a population frequency that is significantly greater than expected given the associated disease prevalence and penetrance.

All of Us Research Program, National Institutes of Health
Classification: Benign for Classic or attenuated familial adenomatous polyposis. Last evaluated: 2024-02-05. Review status: criteria provided, single submitter. Criteria: ACMG Guidelines, 2015. Collection method: clinical testing. Allele origin: germline. Inheritance: Autosomal dominant inheritance. Observed: 184 variant alleles, 180 heterozygotes, 4 homozygotes. Not counted in ClinVar's aggregate classification.
Comment: This study involves interpretation of variants in research participants for the purpose of population health screening. Participant phenotype was not available at the time of variant classification. Additional details can be found in publication PMID: 35346344, PMCID: PMC8962531

Quest Diagnostics Nichols Institute San Juan Capistrano
Classification: Benign. Last evaluated: 2022-07-08. Review status: criteria provided, single submitter. Criteria: Quest Diagnostics criteria. Collection method: clinical testing. Allele origin: unknown. Not counted in ClinVar's aggregate classification.

Sema4
Classification: Benign for Hereditary cancer-predisposing syndrome. Last evaluated: 2020-03-21. Review status: criteria provided, single submitter. Criteria: Sema4 Curation Guidelines. Collection method: curation. Allele origin: germline. Not counted in ClinVar's aggregate classification.

Mendelics
Classification: Benign for Familial adenomatous polyposis 1. Last evaluated: 2019-05-28. Review status: criteria provided, single submitter. Criteria: Mendelics Assertion Criteria 2017. Collection method: clinical testing. Allele origin: unknown. Not counted in ClinVar's aggregate classification.

GeneDx
Classification: Benign. Last evaluated: 2018-12-04. Review status: criteria provided, single submitter. Criteria: GeneDx Variant Classification Process June 2021. Collection method: clinical testing. Allele origin: germline. Affected: yes. Not counted in ClinVar's aggregate classification.
Comment: This variant is associated with the following publications: (PMID: 18199528, 24728327, 24055113, 24861525, 25637381, 21859464, 26332594)

Illumina Laboratory Services, Illumina
Classification: Likely benign for APC-Associated Polyposis Disorders. Last evaluated: 2018-11-29. Review status: criteria provided, single submitter. Criteria: ICSL Variant Classification Criteria 13 December 2019. Collection method: clinical testing. Allele origin: germline. Not counted in ClinVar's aggregate classification.
Comment: This variant was observed as part of a predisposition screen in an ostensibly healthy population. A literature search was performed for the gene, cDNA change, and amino acid change (where applicable). Publications were found based on this search. The evidence from the literature, in combination with allele frequency data from public databases where available, was sufficient to determine this variant is unlikely to cause disease. Therefore, this variant is classified as likely benign.

PreventionGenetics, part of Exact Sciences
Classification: Benign. Last evaluated: 2017-04-25. Review status: criteria provided, single submitter. Criteria: ACMG Guidelines, 2015. Collection method: clinical testing. Allele origin: germline. Not counted in ClinVar's aggregate classification.

ARUP Laboratories, Molecular Genetics and Genomics, ARUP Laboratories
Classification: Likely benign. Last evaluated: 2016-10-27. Review status: criteria provided, single submitter. Criteria: ARUP Molecular Germline Variant Investigation Process. Collection method: clinical testing. Allele origin: germline. Not counted in ClinVar's aggregate classification.

Ambry Genetics
Classification: Benign for Hereditary cancer-predisposing syndrome. Last evaluated: 2015-01-04. Review status: criteria provided, single submitter. Criteria: Ambry Variant Classification Scheme 2023. Collection method: clinical testing. Allele origin: germline. Not counted in ClinVar's aggregate classification.

Breakthrough Genomics
Classification: Likely benign. Review status: criteria provided, single submitter. Criteria: ACMG Guidelines, 2015. Collection method: not provided. Allele origin: germline. Inheritance: Autosomal dominant inheritance. Affected: yes. Not counted in ClinVar's aggregate classification.

CSER _CC_NCGL, University of Washington
Classification: Uncertain significance for Colorectal adenoma. Last evaluated: 2014-06-01. Review status: no assertion criteria provided. Collection method: research. Allele origin: germline. Inheritance: Autosomal dominant inheritance. Study: ESP 6500 variant annotation. Not counted in ClinVar's aggregate classification.
Comment: Variants classified for the Actionable exomic incidental findings in 6503 participants: challenges of variant classification manuscript

ITMI
No classification provided. Condition: AllHighlyPenetrant. Last evaluated: 2013-09-19. Review status: no classification provided. Collection method: reference population. Allele origin: germline. Not counted in ClinVar's aggregate classification.
Comment: Please see associated publication for description of ethnicities

Department of Pathology and Laboratory Medicine, Sinai Health System
Classification: Likely benign for Carcinoma of colon. Review status: no assertion criteria provided. Collection method: clinical testing. Allele origin: unknown. Affected: yes. Observed: 1 variant allele. Study: The Canadian Open Genetics Repository (COGR). Not counted in ClinVar's aggregate classification.
Comment: The APC p.Ala1474Thr variant was identified in 1 of 1382 proband chromosomes (frequency: 0.0007) from individuals or families with colorectal polyps (Azzopardi, 2008). The variant was also identified in dbSNP (ID: rs139387758 as With Uncertain significance allele), ClinVar (3x as benign, 2x as likely benign, 1x as a variant of uncertain significance), Cosmic (2x), LOVD 3.0 (1x as not classified), and UMD-LSDB (1x). The variant was not identified in MutDB or the Zhejiang Colon Cancer Database. The variant was identified in control databases in 290 of 276830 chromosomes (2 homozygous) at a frequency of 0.001, increasing the likelihood this could be a low frequency benign variant (Genome Aggregation Database Feb 27, 2017). Breakdown of the observations by population include African in 270 of 24026 chromosomes (freq: 0.01), Other in 2 of 6456 chromosomes (freq: 0.0003), Latino in 13 of 34404 chromosomes (freq: 0.0004), European Non-Finnish in 4 of 126384 chromosomes (freq: 0.00003), and SouthAsian in 1 of 30774 chromosomes (freq: 0.00003), while the variant was not observed in the Ashkenazi Jewish, East Asian, or Finnish, populations. The p.Ala1474 residue is moderately conserved in mammals, although 5 of 5 computational analyses (PolyPhen-2, SIFT, AlignGVGD, BLOSUM, MutationTaster) do not suggest a high likelihood of impact to the protein; however, this information is not predictive enough to rule out pathogenicity. The variant occurs outside of the splicing consensus sequence and 5 of 5 in silico or computational prediction software programs (SpliceSiteFinder, MaxEntScan, NNSPLICE, GeneSplicer, HumanSpliceFinder) do not predict a difference in splicing. In summary, the clinical significance of this variant cannot be determined with certainty at this time although the available information is suggestive of a benign role. This variant is classified as likely benign.

Literature cited by the submitters: PubMed 33503190 (cited by Quest Diagnostics Nichols Institute San Juan Capistrano); PubMed 18199528 (cited by Quest Diagnostics Nichols Institute San Juan Capistrano and Illumina Laboratory Services, Illumina); PubMed 25637381 (cited by Quest Diagnostics Nichols Institute San Juan Capistrano and Illumina Laboratory Services, Illumina); PubMed 24728327 (cited by 3 submitters); PubMed 24055113 (cited by Quest Diagnostics Nichols Institute San Juan Capistrano and Illumina Laboratory Services, Illumina); PubMed 21859464 (cited by Quest Diagnostics Nichols Institute San Juan Capistrano and Illumina Laboratory Services, Illumina); PubMed 26332594 (cited by Quest Diagnostics Nichols Institute San Juan Capistrano and Illumina Laboratory Services, Illumina); PubMed 11823972 (cited by Quest Diagnostics Nichols Institute San Juan Capistrano); PubMed 24861525 (cited by Quest Diagnostics Nichols Institute San Juan Capistrano and Illumina Laboratory Services, Illumina); PubMed 25178641 (cited by Quest Diagnostics Nichols Institute San Juan Capistrano); PubMed 25356985 (cited by Quest Diagnostics Nichols Institute San Juan Capistrano); PubMed 2472832 (cited by Illumina Laboratory Services, Illumina).

NM_000038.6(APC):c.4420G>A (p.Ala1474Thr)

Gene: APC (APC regulator of Wnt signaling pathway; plus strand). Cytogenetic location: 5q22.2.
Variant type: single nucleotide variant.
Coding change: c.4420G>A on transcript NM_000038.6 (MANE Select); coding-DNA position 4420, G replaced by A.
Protein change: p.Ala1474Thr; replaces alanine 1474 with threonine.
Molecular consequence: missense variant.
Genome position (GRCh38, 1-based): chr5:112,840,014, G>A. VCF-style: chr5-112840014-G-A. GRCh37 (hg19) VCF-style: chr5-112175711-G-A.
Other names: p.A1474T:GCT>ACT; NM_000038.6(APC):c.4420G>A; c.4420G>A, p.Ala1474Thr (NM_001127510.3, NM_001354895.2); c.4366G>A, p.Ala1456Thr (NM_001127511.3); c.4474G>A, p.Ala1492Thr (NM_001354896.2); c.4450G>A, p.Ala1484Thr (NM_001354897.2); c.4345G>A, p.Ala1449Thr (NM_001354898.2); c.4336G>A, p.Ala1446Thr (NM_001354899.2); and 7 more; short protein forms A1456T, A1474T, A1383T, A1449T, A1191T, A1348T, A1314T, A1373T.
Identifiers: ClinVar variation 133530 (VCV000133530.47), dbSNP rs139387758, ClinGen allele CA009532.
Genomic context (GRCh38, chr5:112,840,014, plus strand): 5'-AAAAATAAAGCACCTACTGCTGAAAAGAGAGAGAGTGGACCTAAGCAAGCTGCAGTAAAT[G>A]CTGCAGTTCAGAGGGTCCAGGTTCTTCCAGATGCTGATACTTTATTACATTTTGCCACGG-3'
Protein context (NP_000029.2, residues 1464-1484): ESGPKQAAVN[Ala1474Thr]AVQRVQVLPD